The following is an entry in ClinVar:

ClinVar aggregate classification (germline): Uncertain significance (1 of 4 stars; one submission).

Submission:

Women's Health and Genetics/Laboratory Corporation of America, LabCorp
Classification: Uncertain significance. Last evaluated: 2026-06-19. Review status: criteria provided, single submitter. Criteria: LabCorp Variant Classification Summary - May 2015. Collection method: clinical testing. Allele origin: germline.
Comment: Variant summary: The variant involves the duplication of exons 1-10 in the FAM20C gene. A presumed nomenclature of c.(?_-630)_(*793_?)dup has been designated for the purposes of this classification. This duplication includes the entire coding sequence of the gene. As exact breakpoints are unknown, it may extend beyond the annotated region of the gene, to include other flanking genes. A large duplication (size: ~99,3 kb) which covers the coding sequence of the FAM20C gene was found at a frequency of 0.00031 in 462876 control chromosomes in the gnomAD database (CNVs v4.1 dataset). This frequency is not significantly higher than estimated for disease-causing variants in FAM20C, allowing no conclusion about variant significance. To our knowledge, no occurrence of c.(?_-630)_(*793_?)dup in individuals affected with FAM20C-related conditions and no experimental evidence demonstrating its impact on protein function have been reported. ClinVar contains an entry for this variant (Variation ID: 1443634). Based on the evidence outlined above, the variant was classified as uncertain significance.

NC_000007.13:g.(?_192570)_(300739_?)dup

Gene: FAM20C (FAM20C golgi associated secretory pathway kinase; plus strand). Cytogenetic location: 7p22.3.
Variant type: Duplication.
Identifiers: ClinVar variation 4887101 (VCV004887101.1).